The following is an entry in ClinVar:

ClinVar aggregate classification (germline): Likely benign (1 of 4 stars; one submission).

Allele frequency attached by ClinVar (database versions not stated): gnomAD exomes 0.00291; gnomAD 0.00414; 1000 Genomes Project 0.00419; 1000 Genomes Project 30x 0.00422; ESP Exome Variant Server 0.00454; TOPMed 0.00483; ExAC 0.01062.

Submission:

CeGaT Center for Human Genetics Tuebingen
Classification: Likely benign. Last evaluated: 2023-03-01. Review status: criteria provided, single submitter. Criteria: CeGaT Center For Human Genetics Tuebingen Variant Classification Criteria Version 2. Collection method: clinical testing. Allele origin: germline. Affected: yes. Observed: 1 variant allele.
Comment: ORM2: PP2, BP4, BS2

NM_000608.4(ORM2):c.19C>T (p.Leu7Phe)

Gene: ORM2 (orosomucoid 2; plus strand). Cytogenetic location: 9q32.
Variant type: single nucleotide variant.
Coding change: c.19C>T on transcript NM_000608.4 (MANE Select); coding-DNA position 19, C replaced by T.
Protein change: p.Leu7Phe; replaces leucine 7 with phenylalanine.
Molecular consequence: missense variant.
Genome position (GRCh38, 1-based): chr9:114,329,923, C>T. VCF-style: chr9-114329923-C-T. GRCh37 (hg19) VCF-style: chr9-117092203-C-T.
Other names: short protein forms L7F.
Identifiers: ClinVar variation 2659442 (VCV002659442.24), dbSNP rs143336597, ClinGen allele CA5203826.